The following is an entry in ClinVar:

ClinVar aggregate classification (germline): Pathogenic (1 of 4 stars; one submission).

Conditions:
Ehlers-Danlos syndrome, dermatosparaxis type. Also called: EDS VIIC; Dermatosparaxis; Ehlers-Danlos syndrome, type VII, autosomal recessive. Identifiers: Orphanet 1901, MedGen C2700425, MONDO:0009161, OMIM 225410.

Submission:

Myriad Genetics, Inc.
Classification: Pathogenic for Ehlers-Danlos syndrome, dermatosparaxis type. Last evaluated: 2024-05-14. Review status: criteria provided, single submitter. Criteria: Myriad Autosomal Dominant, Autosomal Recessive and X-Linked Classification Criteria (2023). Collection method: clinical testing. Allele origin: unknown.
Comment: NM_014244.4(ADAMTS2):c.92_93insAG(P32Gfs*134) is expected to be pathogenic in the context of Ehlers-Danlos syndrome, ADAMTS2-related. This variant is predicted to lead to an abnormal or absent protein product due to the creation of a premature termination codon in ADAMTS2, a gene where loss-of-function variants are known to be pathogenic. Please note: this variant was assessed in the context of healthy population screening.

NM_014244.5(ADAMTS2):c.92_93insAG (p.Pro32fs)

Gene: ADAMTS2 (ADAM metallopeptidase with thrombospondin type 1 motif 2; minus strand). Cytogenetic location: 5q35.3.
Variant type: Insertion.
Coding change: c.92_93insAG on transcript NM_014244.5 (MANE Select); coding-DNA positions 92 to 93, AG inserted.
Protein change: p.Pro32fs; shifts the reading frame from proline 32.
Molecular consequence: frameshift variant.
Genome position: GRCh38 VCF-style: chr5-179345236-C-CCT. GRCh37 (hg19) VCF-style: chr5-178772237-C-CCT.
Other names: c.92_93insAG, p.Pro32fs (NM_021599.4); short protein forms P32fs.
Identifiers: ClinVar variation 5010732 (VCV005010732.1).
Genomic context (GRCh38, chr5:179,345,236, plus strand): 5'-CGGGCCGCACCTACCTGGGGGGTCGGCGGCGGCGGCGAGCCTGGCGTTCGCGGGCGGCGG[C>CCT]GGCGGCGGCAGGAGCGGCGGCGGCAGCAGCAGCAGCAGCAGCAGCAGCGCGGGGCAGAGC-3'